The following is an entry in ClinVar:

ClinVar aggregate classification (germline): Pathogenic (1 of 4 stars; one submission).

Submission:

Labcorp Genetics (formerly Invitae), Labcorp
Classification: Pathogenic. Last evaluated: 2021-06-29. Review status: criteria provided, single submitter. Criteria: Invitae Variant Classification Sherloc (09022015). Collection method: clinical testing. Allele origin: germline.
Comment: This sequence change creates a premature translational stop signal (p.Glu92*) in the GRHPR gene. It is expected to result in an absent or disrupted protein product. Loss-of-function variants in GRHPR are known to be pathogenic (PMID: 25644115). This variant is not present in population databases (ExAC no frequency). This variant has not been reported in the literature in individuals affected with GRHPR-related conditions. For these reasons, this variant has been classified as Pathogenic.

Literature cited by the submitters: PubMed 25644115.

NM_012203.2(GRHPR):c.274G>T (p.Glu92Ter)

Gene: GRHPR (glyoxylate and hydroxypyruvate reductase; plus strand). Cytogenetic location: 9p13.2.
Variant type: single nucleotide variant.
Coding change: c.274G>T on transcript NM_012203.2 (MANE Select); coding-DNA position 274, G replaced by T.
Protein change: p.Glu92Ter; replaces glutamic acid 92 with a stop codon.
Molecular consequence: nonsense.
Genome position (GRCh38, 1-based): chr9:37,425,981, G>T. VCF-style: chr9-37425981-G-T. GRCh37 (hg19) VCF-style: chr9-37425978-G-T.
Other names: short protein forms E92*.
Identifiers: ClinVar variation 1442008 (VCV001442008.6), dbSNP rs2118863163, ClinGen allele CA373442298.